The following is an entry in ClinVar:

NM_198859.4(PRICKLE2):c.2183G>A (p.Arg728His)

Genes: PRICKLE2 (prickle planar cell polarity protein 2; minus strand), PRICKLE2-AS1 (PRICKLE2 antisense RNA 1; plus strand). Cytogenetic location: 3p14.1.
Variant type: single nucleotide variant.
Coding change: c.2183G>A on transcript NM_198859.4 (MANE Select); coding-DNA position 2183, G replaced by A.
Protein change: p.Arg728His; replaces arginine 728 with histidine.
Molecular consequence: missense variant. On other transcripts: non-coding transcript variant (1).
Genome position (GRCh38, 1-based): chr3:64,099,403, C>T on the plus strand (G>A on the coding strand, the complement: PRICKLE2 is on the minus strand). VCF-style: chr3-64099403-C-T. GRCh37 (hg19) VCF-style: chr3-64085079-C-T.
Other names: c.2183G>A, p.Arg728His (NM_001370528.1); short protein forms R728H.
Identifiers: ClinVar variation 4745089 (VCV004745089.1).
Genomic context (GRCh38, chr3:64,099,403, plus strand): 5'-CACTGGCCGTACAGGTCCCTCCGGGACCCATGCCCCATGCTCTCCTGGAAGCTCCGCTGG[C>T]GCATAAATTGGTCATAGTCCTCCCTGGCTCTCAGAGGGGGCCTATCTTTTAACCGGGAGA-3'
Protein context (NP_942559.1, residues 718-738): RAREDYDQFM[Arg728His]QRSFQESMGH

ClinVar aggregate classification (germline): Uncertain significance (1 of 4 stars; one submission).

Conditions:
Progressive myoclonic epilepsy type 5. Identifiers: Orphanet 402082, MedGen C5190799.

gnomAD v4.1: 4 of 1,599,718 alleles (0.00025%); highest among the groups gnomAD compares: Non-Finnish European, 0.00026%; no homozygotes.

Submission:

Labcorp Genetics (formerly Invitae), Labcorp
Classification: Uncertain significance for Progressive myoclonic epilepsy type 5. Last evaluated: 2026-02-01. Review status: criteria provided, single submitter. Criteria: Invitae Variant Classification Sherloc (09022015). Collection method: clinical testing. Allele origin: germline.
Comment: This sequence change replaces arginine, which is basic and polar, with histidine, which is basic and polar, at codon 728 of the PRICKLE2 protein (p.Arg728His). This variant is present in population databases (no rsID available, gnomAD 0.0009%). This variant has not been reported in the literature in individuals affected with PRICKLE2-related conditions. Invitae Evidence Modeling of protein sequence and biophysical properties (such as structural, functional, and spatial information, amino acid conservation, physicochemical variation, residue mobility, and thermodynamic stability) indicates that this missense variant is not expected to disrupt PRICKLE2 protein function with a negative predictive value of 80%. In summary, the available evidence is currently insufficient to determine the role of this variant in disease. Therefore, it has been classified as a Variant of Uncertain Significance.